The following is an entry in ClinVar:

NM_080657.5(RSAD2):c.603G>A (p.Val201=)

Gene: RSAD2 (radical S-adenosyl methionine domain containing 2; plus strand). Cytogenetic location: 2p25.2.
Variant type: single nucleotide variant.
Coding change: c.603G>A on transcript NM_080657.5 (MANE Select); coding-DNA position 603, G replaced by A.
Protein change: p.Val201=; no amino-acid change (valine 201 retained).
Molecular consequence: synonymous variant.
Genome position (GRCh38, 1-based): chr2:6,887,029, G>A. VCF-style: chr2-6887029-G-A. GRCh37 (hg19) VCF-style: chr2-7027160-G-A.
Other names: c.399G>A, p.Val133= (NM_001410702.1).
Identifiers: ClinVar variation 2650642 (VCV002650642.24), dbSNP rs1663535417, ClinGen allele CA424762777.

ClinVar aggregate classification (germline): Likely benign (1 of 4 stars; one submission).

Allele frequency attached by ClinVar (database versions not stated): gnomAD exomes below 0.00001.

Submission:

CeGaT Center for Human Genetics Tuebingen
Classification: Likely benign. Last evaluated: 2022-10-01. Review status: criteria provided, single submitter. Criteria: CeGaT Center For Human Genetics Tuebingen Variant Classification Criteria Version 2. Collection method: clinical testing. Allele origin: germline. Affected: yes. Observed: 1 variant allele.
Comment: RSAD2: PM2:Supporting, BP4, BP7